The following is an entry in ClinVar:

ClinVar aggregate classification (germline): Uncertain significance (1 of 4 stars; one submission).

Allele frequency attached by ClinVar (database versions not stated): ExAC 0.00002.

Submission:

Women's Health and Genetics/Laboratory Corporation of America, LabCorp
Classification: Uncertain significance. Last evaluated: 2023-08-11. Review status: criteria provided, single submitter. Criteria: LabCorp Variant Classification Summary - May 2015. Collection method: clinical testing. Allele origin: germline.
Comment: Variant summary: TRAK1 c.1A>G (p.Met1Val) alters the initiation codon and is predicted to result either in absence of the protein or truncation of the encoded protein due to translation initiation at a downstream codon. The next downstream in-frame initiation codon is at Met 105. Two of three in-silico tools predict a benign effect of the variant on protein function. The variant allele was found at a frequency of 8.1e-06 in 248430 control chromosomes. The available data on variant occurrences in the general population are insufficient to allow any conclusion about variant significance. To our knowledge, no occurrence of c.1A>G in individuals affected with Developmental And Epileptic Encephalopathy, 68 and no experimental evidence demonstrating its impact on protein function have been reported. No submitters have cited clinical-significance assessments for this variant to ClinVar after 2014. Based on the evidence outlined above, the variant was classified as uncertain significance.

NM_001042646.3(TRAK1):c.1A>G (p.Met1Val)

Gene: TRAK1 (trafficking kinesin protein 1; plus strand). Cytogenetic location: 3p22.1.
Variant type: single nucleotide variant.
Coding change: c.1A>G on transcript NM_001042646.3 (MANE Select); coding-DNA position 1, A replaced by G.
Protein change: p.Met1Val; changes the start codon (methionine 1).
Molecular consequence: missense variant, initiator codon variant. On other transcripts: intron variant (1).
Genome position (GRCh38, 1-based): chr3:42,091,470, A>G. VCF-style: chr3-42091470-A-G. GRCh37 (hg19) VCF-style: chr3-42132962-A-G.
Other names: c.1A>G, p.Met1Val (NM_001265608.2, NM_001349246.2, NM_001349247.2); c.-222+4070A>G (NM_001349245.1); short protein forms M1V.
Identifiers: ClinVar variation 2581657 (VCV002581657.1), dbSNP rs754091914, ClinGen allele CA2332887.